The following is an entry in ClinVar:

NM_005996.4(TBX3):c.599A>G (p.Lys200Arg)

Gene: TBX3 (T-box transcription factor 3; minus strand). Cytogenetic location: 12q24.21.
Variant type: single nucleotide variant.
Coding change: c.599A>G on transcript NM_005996.4 (MANE Select); coding-DNA position 599, A replaced by G.
Protein change: p.Lys200Arg; replaces lysine 200 with arginine.
Molecular consequence: missense variant.
Genome position (GRCh38, 1-based): chr12:114,680,937, T>C on the plus strand (A>G on the coding strand, the complement: TBX3 is on the minus strand). VCF-style: chr12-114680937-T-C. GRCh37 (hg19) VCF-style: chr12-115118742-T-C.
Other names: c.599A>G, p.Lys200Arg (NM_016569.4); short protein forms K200R.
Identifiers: ClinVar variation 3350082 (VCV003350082.1).

ClinVar aggregate classification (germline): Uncertain significance (0 of 4 stars; one submission).

Conditions:
TBX3-related disorder. Also called: TBX3-related condition.

Submission:

PreventionGenetics, part of Exact Sciences
Classification: Uncertain significance for TBX3-related condition. Last evaluated: 2023-12-04. Review status: no assertion criteria provided. Collection method: clinical testing. Allele origin: germline.
Comment: The TBX3 c.599A>G variant is predicted to result in the amino acid substitution p.Lys200Arg. To our knowledge, this variant has not been reported in the literature or in a large population database, indicating this variant is rare. At this time, the clinical significance of this variant is uncertain due to the absence of conclusive functional and genetic evidence.